The following is an entry in ClinVar:

NM_006231.4(POLE):c.4651_4652insTG (p.His1551fs)

Gene: POLE (DNA polymerase epsilon, catalytic subunit; minus strand). Cytogenetic location: 12q24.33.
Variant type: Insertion.
Coding change: c.4651_4652insTG on transcript NM_006231.4 (MANE Select); coding-DNA positions 4651 to 4652, TG inserted.
Protein change: p.His1551fs; shifts the reading frame from histidine 1551.
Molecular consequence: frameshift variant.
Genome position: GRCh38 VCF-style: chr12-132642896-T-TCA. GRCh37 (hg19) VCF-style: chr12-133219482-T-TCA.
Other names: short protein forms H1551fs.
Identifiers: ClinVar variation 2754131 (VCV002754131.3), dbSNP rs2541887517, ClinGen allele CA2697551578.

ClinVar aggregate classification (germline): Pathogenic (1 of 4 stars; one submission).

Submission:

Labcorp Genetics (formerly Invitae), Labcorp
Classification: Pathogenic. Last evaluated: 2023-08-22. Review status: criteria provided, single submitter. Criteria: Invitae Variant Classification Sherloc (09022015). Collection method: clinical testing. Allele origin: germline.
Comment: For these reasons, this variant has been classified as Pathogenic. This variant has not been reported in the literature in individuals affected with POLE-related conditions. This variant is not present in population databases (gnomAD no frequency). This sequence change creates a premature translational stop signal (p.His1551Leufs*12) in the POLE gene. It is expected to result in an absent or disrupted protein product. Loss-of-function variants in POLE are known to be pathogenic (PMID: 23230001, 25948378, 30503519).

Literature cited by the submitters: PubMed 23230001; PubMed 25948378; PubMed 30503519.